The following is an entry in ClinVar:

NM_003270.4(TSPAN6):c.319G>A (p.Ala107Thr)

Gene: TSPAN6 (tetraspanin 6; minus strand). Cytogenetic location: Xq22.1.
Variant type: single nucleotide variant.
Coding change: c.319G>A on transcript NM_003270.4 (MANE Select); coding-DNA position 319, G replaced by A.
Protein change: p.Ala107Thr; replaces alanine 107 with threonine.
Molecular consequence: missense variant.
Genome position (GRCh38, 1-based): chrX:100,635,210, C>T on the plus strand (G>A on the coding strand, the complement: TSPAN6 is on the minus strand). VCF-style: chrX-100635210-C-T. GRCh37 (hg19) VCF-style: chrX-99890207-C-T.
Other names: c.55G>A, p.Ala19Thr (NM_001278740.2, NM_001278741.1, NM_001278742.1 and 1 more transcripts); short protein forms A107T, A19T.
Identifiers: ClinVar variation 4866152 (VCV004866152.1).

ClinVar aggregate classification (germline): Uncertain significance (1 of 4 stars; one submission).

gnomAD v4.1: 7 of 1,197,018 alleles (0.00058%); highest among the groups gnomAD compares: Non-Finnish European, 0.00079%; no homozygotes.

Submission:

Ambry Genetics
Classification: Uncertain significance. Last evaluated: 2026-03-19. Review status: criteria provided, single submitter. Criteria: Ambry Variant Classification Scheme 2023. Collection method: clinical testing. Allele origin: germline.
Comment: The c.319G>A (p.A107T) alteration is located in exon 3 (coding exon 3) of the TSPAN6 gene. This alteration results from a G to A substitution at nucleotide position 319, causing the alanine (A) at amino acid position 107 to be replaced by a threonine (T). Based on data from gnomAD, the A allele has an overall frequency of 0.001% (2/161825) total alleles studied. The highest observed frequency was 0.003% (2/69525) of European (non-Finnish) alleles. Based on insufficient or conflicting evidence, the clinical significance of this alteration remains unclear.